The following is an entry in ClinVar:

ClinVar aggregate classification (germline): Uncertain significance (1 of 4 stars; one submission).

Conditions:
Neuroblastoma, susceptibility to, 3. Also called: ALK-Related Neuroblastic Tumor Susceptibility. Identifiers: Orphanet 635, MedGen C2751681, MONDO:0013083, OMIM 613014.

Submission:

Labcorp Genetics (formerly Invitae), Labcorp
Classification: Uncertain significance for Neuroblastoma, susceptibility to, 3. Last evaluated: 2023-03-26. Review status: criteria provided, single submitter. Criteria: Invitae Variant Classification Sherloc (09022015). Collection method: clinical testing. Allele origin: germline.
Comment: This variant has not been reported in the literature in individuals affected with ALK-related conditions. This sequence change falls in intron 16 of the ALK gene. It does not directly change the encoded amino acid sequence of the ALK protein. This variant is not present in population databases (gnomAD no frequency). Algorithms developed to predict the effect of sequence changes on RNA splicing suggest that this variant may create or strengthen a splice site. In summary, the available evidence is currently insufficient to determine the role of this variant in disease. Therefore, it has been classified as a Variant of Uncertain Significance.

NM_004304.5(ALK):c.2816-6A>T

Gene: ALK (ALK receptor tyrosine kinase; minus strand). Cytogenetic location: 2p23.2.
Variant type: single nucleotide variant.
Coding change: c.2816-6A>T on transcript NM_004304.5 (MANE Select); 6 bases into the intron before coding-DNA position 2816, A replaced by T.
Molecular consequence: intron variant.
Genome position (GRCh38, 1-based): chr2:29,227,678, T>A on the plus strand (A>T on the coding strand, the complement: ALK is on the minus strand). VCF-style: chr2-29227678-T-A. GRCh37 (hg19) VCF-style: chr2-29450544-T-A.
Identifiers: ClinVar variation 2849461 (VCV002849461.3), dbSNP rs2465973876, ClinGen allele CA2739274277.